The following is an entry in ClinVar:

NM_025114.4(CEP290):c.6163T>G (p.Cys2055Gly)

Gene: CEP290 (centrosomal protein 290; minus strand). Cytogenetic location: 12q21.32.
Variant type: single nucleotide variant.
Coding change: c.6163T>G on transcript NM_025114.4 (MANE Select); coding-DNA position 6163, T replaced by G.
Protein change: p.Cys2055Gly; replaces cysteine 2055 with glycine.
Molecular consequence: missense variant.
Genome position (GRCh38, 1-based): chr12:88,064,088, A>C on the plus strand (T>G on the coding strand, the complement: CEP290 is on the minus strand). VCF-style: chr12-88064088-A-C. GRCh37 (hg19) VCF-style: chr12-88457865-A-C.
Other names: short protein forms C2055G.
Identifiers: ClinVar variation 1508487 (VCV001508487.6), dbSNP rs2136814953, ClinGen allele CA385979934.
Genomic context (GRCh38, chr12:88,064,088, plus strand): 5'-GTTCAATATTTTCAGATGACAACTTCAAGTTTTCCTTCTGAAGCTCCTGTTCTCTCTGAC[A>C]ATGATCATCTGACTCTATTCCTGAAATCTTCAGGGAAATGAAATTAGGAATATTTTTAAA-3'
Protein context (NP_079390.3, residues 2045-2065): SISGIESDDH[Cys2055Gly]QREQELQKEN

ClinVar aggregate classification (germline): Uncertain significance (1 of 4 stars; one submission).

Conditions:
Nephronophthisis. Also called: Juvenile Nephronophthisis. Identifiers: Orphanet 655, MedGen C0687120, MONDO:0019005, HP:0000090.
Meckel-Gruber syndrome. Also called: DYSENCEPHALIA SPLANCHNOCYSTICA; GRUBER SYNDROME; Dysencephalia splachnocystica. Identifiers: Orphanet 564, MedGen C0265215, MONDO:0018921.
Joubert syndrome. Also called: CEREBELLOPARENCHYMAL DISORDER IV; JOUBERT-BOLTSHAUSER SYNDROME; Familial aplasia of the vermis. Identifiers: Orphanet 475, MedGen C5979921, MONDO:0018772.

Submission:

Labcorp Genetics (formerly Invitae), Labcorp
Classification: Uncertain significance for Joubert syndrome; Meckel-Gruber syndrome; Nephronophthisis. Last evaluated: 2025-03-17. Review status: criteria provided, single submitter. Criteria: Invitae Variant Classification Sherloc (09022015). Collection method: clinical testing. Allele origin: germline.
Comment: This sequence change replaces cysteine, which is neutral and slightly polar, with glycine, which is neutral and non-polar, at codon 2055 of the CEP290 protein (p.Cys2055Gly). This variant is not present in population databases (gnomAD no frequency). This variant has not been reported in the literature in individuals affected with CEP290-related conditions. ClinVar contains an entry for this variant (Variation ID: 1508487). Invitae Evidence Modeling of protein sequence and biophysical properties (such as structural, functional, and spatial information, amino acid conservation, physicochemical variation, residue mobility, and thermodynamic stability) indicates that this missense variant is not expected to disrupt CEP290 protein function with a negative predictive value of 80%. In summary, the available evidence is currently insufficient to determine the role of this variant in disease. Therefore, it has been classified as a Variant of Uncertain Significance.